The following is an entry in ClinVar:

ClinVar aggregate classification (germline): Uncertain significance (1 of 4 stars; one submission).

Submission:

Labcorp Genetics (formerly Invitae), Labcorp
Classification: Uncertain significance. Last evaluated: 2022-11-01. Review status: criteria provided, single submitter. Criteria: Invitae Variant Classification Sherloc (09022015). Collection method: clinical testing. Allele origin: germline.
Comment: In summary, the available evidence is currently insufficient to determine the role of this variant in disease. Therefore, it has been classified as a Variant of Uncertain Significance. This variant has not been reported in the literature in individuals affected with ARPC1B-related conditions. This variant is present in population databases (no rsID available, gnomAD 0.002%). This variant, c.947_952dup, results in the insertion of 2 amino acid(s) of the ARPC1B protein (p.Ala316_Ala317dup), but otherwise preserves the integrity of the reading frame.

NM_005720.4(ARPC1B):c.947_952dup (p.Ala317_Gly318insAlaAla)

Gene: ARPC1B (actin related protein 2/3 complex subunit 1B; plus strand). Cytogenetic location: 7q22.1.
Variant type: Duplication.
Coding change: c.947_952dup on transcript NM_005720.4 (MANE Select); coding-DNA positions 947 to 952, 6 bases duplicated (CTGCGG; older notation c.947_952dupCTGCGG).
Protein change: p.Ala317_Gly318insAlaAla.
Molecular consequence: inframe insertion.
Genome position (GRCh38, 1-based): chr7:99,392,834-99,392,839, CTGCGG duplicated; duplicating any 6 consecutive bases within chr7:99,392,831-99,392,839 gives the same sequence; the c. name uses the placement nearest the transcript's 3' end. VCF-style (leftmost placement, unchanged base first): chr7-99392830-A-ACGGCTG. GRCh37 (hg19) VCF-style: chr7-98990453-A-ACGGCTG.
Identifiers: ClinVar variation 1975980 (VCV001975980.5), dbSNP rs1187009839, ClinGen allele CA576396090.